The following is an entry in ClinVar:

ClinVar aggregate classification (germline): Uncertain significance (1 of 4 stars; one submission).

Conditions:
Hereditary cancer-predisposing syndrome. Also called: Tumor predisposition; Hereditary neoplastic syndrome; Hereditary Cancer Syndrome; Neoplastic Syndromes, Hereditary. Identifiers: Orphanet 140162, MedGen C0027672, MeSH D009386, MONDO:0015356.

Submission:

Ambry Genetics
Classification: Uncertain significance for Hereditary cancer-predisposing syndrome. Last evaluated: 2025-04-25. Review status: criteria provided, single submitter. Criteria: Ambry Variant Classification Scheme 2023. Collection method: clinical testing. Allele origin: germline.
Comment: The p.P667S variant (also known as c.1999C>T), located in coding exon 11 of the RET gene, results from a C to T substitution at nucleotide position 1999. The proline at codon 667 is replaced by serine, an amino acid with similar properties. This amino acid position is conserved. In addition, this alteration is predicted to be tolerated by in silico analysis. Based on the available evidence, the clinical significance of this variant remains unclear.

NM_020975.6(RET):c.1999C>T (p.Pro667Ser)

Gene: RET (ret proto-oncogene; plus strand). Cytogenetic location: 10q11.21.
Variant type: single nucleotide variant.
Coding change: c.1999C>T on transcript NM_020975.6 (MANE Select); coding-DNA position 1999, C replaced by T.
Protein change: p.Pro667Ser; replaces proline 667 with serine.
Molecular consequence: missense variant. On other transcripts: intron variant (4).
Genome position (GRCh38, 1-based): chr10:43,114,599, C>T. VCF-style: chr10-43114599-C-T. GRCh37 (hg19) VCF-style: chr10-43610047-C-T.
Other names: c.1237C>T, p.Pro413Ser (NM_001355216.2); c.1999C>T, p.Pro667Ser (NM_001406743.1, NM_001406744.1, NM_001406759.1 and 2 more transcripts); c.1870C>T, p.Pro624Ser (NM_001406761.1, NM_001406762.1, NM_001406764.1); c.1711C>T, p.Pro571Ser (NM_001406766.1, NM_001406767.1, NM_001406770.1); c.814C>T, p.Pro272Ser (NM_001406788.1, NM_001406789.1, NM_001406790.1); c.694C>T, p.Pro232Ser (NM_001406791.1); c.550C>T, p.Pro184Ser (NM_001406792.1, NM_001406793.1, NM_001406794.1); c.1603C>T, p.Pro535Ser (NM_001406769.1, NM_001406772.1); and 10 more; short protein forms P325S, P337S, P535S, P571S, P667S, P184S, P328S, P624S.
Identifiers: ClinVar variation 3944693 (VCV003944693.1).
Genomic context (GRCh38, chr10:43,114,599, plus strand): 5'-ATCGTCTCGGTGCTGCTGTCTGCCTTCTGCATCCACTGCTACCACAAGTTTGCCCACAAG[C>T]CACCCATCTCCTCAGCTGAGATGACCTTCCGGAGGCCCGCCCAGGCCTTCCCGGTCAGCT-3'
Protein context (NP_066124.1, residues 657-677): IHCYHKFAHK[Pro667Ser]PISSAEMTFR